The following is an entry in ClinVar:

ClinVar aggregate classification (germline): Uncertain significance. Review status: criteria provided, multiple submitters, no conflicts (2 of 4 stars). 3 submissions from 3 submitters: Uncertain significance (2). 1 of the submissions does not count toward it. Last evaluated 2025-01-21.

Conditions:
Inborn genetic diseases. Identifiers: MedGen C0950123, MeSH D030342.
Immunodeficiency, common variable, 10. Also called: IMMUNODEFICIENCY, COMMON VARIABLE, WITH CENTRAL ADRENAL INSUFFICIENCY; DEFICIT IN ANTERIOR PITUITARY FUNCTION AND VARIABLE IMMUNODEFICIENCY. Identifiers: MedGen C3809991, MONDO:0014260, OMIM 615577.
NFKB2-related disorder. Also called: NFKB2-related condition.

gnomAD v4.1: 2 of 1,541,760 alleles (0.00013%); highest among the groups gnomAD compares: Non-Finnish European, 0.00017%; no homozygotes.

Submissions (3):

Ambry Genetics
Classification: Uncertain significance for Inborn genetic diseases. Last evaluated: 2025-01-21. Review status: criteria provided, single submitter. Criteria: Ambry Variant Classification Scheme 2023. Collection method: clinical testing. Allele origin: germline.

Labcorp Genetics (formerly Invitae), Labcorp
Classification: Uncertain significance for Immunodeficiency, common variable, 10. Last evaluated: 2024-10-08. Review status: criteria provided, single submitter. Criteria: Invitae Variant Classification Sherloc (09022015). Collection method: clinical testing. Allele origin: germline.
Comment: This sequence change replaces alanine, which is neutral and non-polar, with glutamic acid, which is acidic and polar, at codon 405 of the NFKB2 protein (p.Ala405Glu). The frequency data for this variant in the population databases is considered unreliable, as metrics indicate poor data quality at this position in the gnomAD database. This variant has not been reported in the literature in individuals affected with NFKB2-related conditions. ClinVar contains an entry for this variant (Variation ID: 1479090). An algorithm developed to predict the effect of missense changes on protein structure and function (PolyPhen-2) suggests that this variant is likely to be tolerated. In summary, the available evidence is currently insufficient to determine the role of this variant in disease. Therefore, it has been classified as a Variant of Uncertain Significance.

PreventionGenetics, part of Exact Sciences
Classification: Uncertain significance for NFKB2-related condition. Last evaluated: 2024-02-19. Review status: no assertion criteria provided. Collection method: clinical testing. Allele origin: germline. Not counted in ClinVar's aggregate classification.
Comment: The NFKB2 c.1214C>A variant is predicted to result in the amino acid substitution p.Ala405Glu. To our knowledge, this variant has not been reported in the literature. This variant is reported in 0.014% of alleles in individuals of African descent in gnomAD. At this time, the clinical significance of this variant is uncertain due to the absence of conclusive functional and genetic evidence.

NM_001322934.2(NFKB2):c.1214C>A (p.Ala405Glu)

Genes: NFKB2 (nuclear factor kappa B subunit 2; plus strand), LOC130004599 (ATAC-STARR-seq lymphoblastoid silent region 2756; plus strand). Cytogenetic location: 10q24.32.
Variant type: single nucleotide variant.
Coding change: c.1214C>A on transcript NM_001322934.2 (MANE Select); coding-DNA position 1214, C replaced by A.
Protein change: p.Ala405Glu; replaces alanine 405 with glutamic acid.
Molecular consequence: missense variant.
Genome position (GRCh38, 1-based): chr10:102,399,384, C>A. VCF-style: chr10-102399384-C-A. GRCh37 (hg19) VCF-style: chr10-104159141-C-A.
Other names: c.1214C>A, p.Ala405Glu (NM_001077494.3, NM_001261403.3, NM_001288724.1 and 1 more transcripts); c.1088C>A, p.Ala363Glu (NM_001322935.1); c.1214C>A (NM_001077494.1); short protein forms A363E, A405E.
Identifiers: ClinVar variation 1479090 (VCV001479090.11), dbSNP rs773329863, ClinGen allele CA5664777.